The following is an entry in ClinVar:

NM_000222.3(KIT):c.1681GAG[1] (p.Glu562del)

Gene: KIT (KIT proto-oncogene, receptor tyrosine kinase; plus strand). Cytogenetic location: 4q12.
Variant type: Microsatellite.
Coding change: c.1681GAG[1] on transcript NM_000222.3 (MANE Select); one copy of the 3-base unit GAG starting at c.1681; the reference has two copies in a row; one copy, 3 bases deleted.
Protein change: p.Glu562del; deletes glutamic acid 562.
Molecular consequence: inframe deletion.
Genome position (GRCh38, 1-based): chr4:54,727,452-54,727,454, GAG deleted; deleting any 3 consecutive bases within chr4:54,727,449-54,727,454 gives the same sequence; the position shown is the placement nearest the transcript's 3' end. VCF-style (leftmost placement, unchanged base first): chr4-54727448-TGAG-T. GRCh37 (hg19) VCF-style: chr4-55593614-TGAG-T.
Other names: c.1684_1686delGAG (NM_000222.2); c.1669GAG[1], p.Glu558del (NM_001093772.2, NM_001385286.1); c.1684GAG[1], p.Glu563del (NM_001385284.1, NM_001385290.1); c.1681GAG[1], p.Glu562del (NM_001385285.1); c.1672GAG[1], p.Glu559del (NM_001385288.1, NM_001385292.1); short protein forms E558del, E562del, E559del, E563del.
Identifiers: ClinVar variation 937694 (VCV000937694.12), dbSNP rs1722307508, ClinGen allele CA645516871.

ClinVar aggregate classification (germline): Uncertain significance. Review status: criteria provided, multiple submitters, no conflicts (2 of 4 stars). 2 submissions from 2 submitters: Uncertain significance (2). Last evaluated 2026-02-12.
ClinVar aggregate classification (oncogenicity): Uncertain significance (0 of 4 stars; one submission).

Conditions:
Gastrointestinal stromal tumor. Also called: Gastrointestinal stromal tumor, somatic; Gastrointestinal stroma tumor. Identifiers: Orphanet 44890, MedGen C0238198, MeSH D046152, MONDO:0011719, OMIM 606764, HP:0100723.
Hereditary cancer-predisposing syndrome. Also called: Hereditary neoplastic syndrome; Neoplastic Syndromes, Hereditary; Hereditary Cancer Syndrome; Tumor predisposition. Identifiers: Orphanet 140162, MedGen C0027672, MeSH D009386, MONDO:0015356.

Submissions (3):

Ambry Genetics
Classification: Uncertain significance for Hereditary cancer-predisposing syndrome. Last evaluated: 2026-02-12. Review status: criteria provided, single submitter. Criteria: Ambry Variant Classification Scheme 2023. Collection method: clinical testing. Allele origin: germline.
Comment: The c.1684_1686delGAG variant (also known as p.E562del) is located in coding exon 11 of the KIT gene. This variant results from an in-frame GAG deletion at nucleotide positions 1684 to 1686. This results in the in-frame deletion of a glutamic acid at codon 562. This amino acid region is well conserved in available vertebrate species. In addition, this variant is predicted to be deleterious by in silico analysis (Choi Y et al. PLoS ONE. 2012; 7(10):e46688). Based on the available evidence, the clinical significance of this variant remains unclear.

Labcorp Genetics (formerly Invitae), Labcorp
Classification: Uncertain significance for Gastrointestinal stromal tumor. Last evaluated: 2024-04-01. Review status: criteria provided, single submitter. Criteria: Invitae Variant Classification Sherloc (09022015). Collection method: clinical testing. Allele origin: germline.
Comment: This variant, c.1684_1686del, results in the deletion of 1 amino acid(s) of the KIT protein (p.Glu562del), but otherwise preserves the integrity of the reading frame. This variant is not present in population databases (gnomAD no frequency). This variant has not been reported in the literature in individuals affected with KIT-related conditions. ClinVar contains an entry for this variant (Variation ID: 937694). Experimental studies and prediction algorithms are not available or were not evaluated, and the functional significance of this variant is currently unknown. In summary, the available evidence is currently insufficient to determine the role of this variant in disease. Therefore, it has been classified as a Variant of Uncertain Significance.

National Institute of Cancer Research, National Health Research Institutes
Classification: Uncertain significance for Gastrointestinal stromal tumor. Review status: no assertion criteria provided. Collection method: research. Allele origin: somatic. Observed: 3 variant alleles.
Comment: clinical data